The following is an entry in ClinVar:

ClinVar aggregate classification (germline): Uncertain significance (1 of 4 stars; one submission).

Conditions:
CDH11-related disorder. Also called: CDH11-related condition.

Submission:

PreventionGenetics, part of Exact Sciences
Classification: Uncertain significance for CDH11-related condition. Last evaluated: 2025-08-18. Review status: criteria provided, single submitter. Criteria: ACMG Guidelines, 2015. Collection method: clinical testing. Allele origin: germline.
Comment: The CDH11 c.1045G>A variant is predicted to result in the amino acid substitution p.Ala349Thr. To our knowledge, this variant has not been reported in the literature or in a large population database (gnomAD), indicating this variant is rare. At this time, the clinical significance of this variant is uncertain due to the absence of conclusive functional and genetic evidence.

NM_001797.4(CDH11):c.1045G>A (p.Ala349Thr)

Gene: CDH11 (cadherin 11; minus strand). Cytogenetic location: 16q21.
Variant type: single nucleotide variant.
Coding change: c.1045G>A on transcript NM_001797.4 (MANE Select); coding-DNA position 1045, G replaced by A.
Protein change: p.Ala349Thr; replaces alanine 349 with threonine.
Molecular consequence: missense variant.
Genome position (GRCh38, 1-based): chr16:64,982,256, C>T on the plus strand (G>A on the coding strand, the complement: CDH11 is on the minus strand). VCF-style: chr16-64982256-C-T. GRCh37 (hg19) VCF-style: chr16-65016159-C-T.
Other names: c.1045G>A, p.Ala349Thr (NM_001308392.2); c.667G>A, p.Ala223Thr (NM_001330576.2); short protein forms A349T, A223T.
Identifiers: ClinVar variation 4995651 (VCV004995651.1).